The following is an entry in ClinVar:

NM_004447.6(EPS8):c.409del (p.Gln137fs)

Gene: EPS8 (EGFR pathway substrate 8, signaling adaptor; minus strand). Cytogenetic location: 12p12.3.
Variant type: Deletion.
Coding change: c.409del on transcript NM_004447.6 (MANE Select); coding-DNA position 409, one base deleted (C; older notation c.409delC).
Protein change: p.Gln137fs; shifts the reading frame from glutamine 137.
Molecular consequence: frameshift variant.
Genome position (GRCh38, 1-based): chr12:15,669,494, G deleted on the plus strand (C on the coding strand, the reverse complement: EPS8 is on the minus strand); the first of 2 consecutive G bases (chr12:15,669,494-15,669,495); deleting either gives the same sequence. VCF-style (leftmost placement, unchanged base first): chr12-15669493-TG-T. GRCh37 (hg19) VCF-style: chr12-15822427-TG-T.
Other names: short protein forms Q137fs.
Identifiers: ClinVar variation 1452443 (VCV001452443.6), dbSNP rs2135847318, ClinGen allele CA2573147907.
Genomic context (GRCh38, chr12:15,669,493, plus strand): 5'-GTTGGCTCTTTGCACACCAGTGCAAGAACTGAATCATAGCTGCATGAATGCATCACAGCT[TG>T]GCAGTGCTGGATTGTGTTTAAAGGAAAATTCTCCAGTTCATTCTATAAATAAAGTGAACA-3'

ClinVar aggregate classification (germline): Pathogenic (1 of 4 stars; one submission).

Submission:

Labcorp Genetics (formerly Invitae), Labcorp
Classification: Pathogenic. Last evaluated: 2022-07-06. Review status: criteria provided, single submitter. Criteria: Invitae Variant Classification Sherloc (09022015). Collection method: clinical testing. Allele origin: germline.
Comment: This sequence change creates a premature translational stop signal (p.Gln137Lysfs*3) in the EPS8 gene. It is expected to result in an absent or disrupted protein product. Loss-of-function variants in EPS8 are known to be pathogenic (PMID: 24741995). This variant is not present in population databases (gnomAD no frequency). This variant has not been reported in the literature in individuals affected with EPS8-related conditions. ClinVar contains an entry for this variant (Variation ID: 1452443). For these reasons, this variant has been classified as Pathogenic.

Literature cited by the submitters: PubMed 24741995.